The following is an entry in ClinVar:

NM_198578.4(LRRK2):c.850A>G (p.Asn284Asp)

Gene: LRRK2 (leucine rich repeat kinase 2; plus strand). Cytogenetic location: 12q12.
Variant type: single nucleotide variant.
Coding change: c.850A>G on transcript NM_198578.4 (MANE Select); coding-DNA position 850, A replaced by G.
Protein change: p.Asn284Asp; replaces asparagine 284 with aspartic acid.
Molecular consequence: missense variant.
Genome position (GRCh38, 1-based): chr12:40,249,837, A>G. VCF-style: chr12-40249837-A-G. GRCh37 (hg19) VCF-style: chr12-40643639-A-G.
Other names: short protein forms N284D.
Identifiers: ClinVar variation 1763674 (VCV001763674.3), dbSNP rs377312433, ClinGen allele CA6513223.

ClinVar aggregate classification (germline): Uncertain significance (1 of 4 stars; one submission).

Conditions:
Inborn genetic diseases. Identifiers: MedGen C0950123, MeSH D030342.

Allele frequency attached by ClinVar (database versions not stated): gnomAD exomes below 0.00001; ExAC 0.00001; TOPMed 0.00001.
gnomAD v4.1: 2 of 1,613,730 alleles (0.00012%); highest among the groups gnomAD compares: Non-Finnish European, 0.00017%; no homozygotes.

Submission:

Ambry Genetics
Classification: Uncertain significance for Inborn genetic diseases. Last evaluated: 2024-06-24. Review status: criteria provided, single submitter. Criteria: Ambry Variant Classification Scheme 2023. Collection method: clinical testing. Allele origin: germline.
Comment: The p.N284D variant (also known as c.850A>G), located in coding exon 8 of the LRRK2 gene, results from an A to G substitution at nucleotide position 850. The asparagine at codon 284 is replaced by aspartic acid, an amino acid with highly similar properties. This amino acid position is conserved. In addition, this alteration is predicted to be tolerated by in silico analysis. Since supporting evidence is limited at this time, the clinical significance of this alteration remains unclear.